The following is an entry in ClinVar:

ClinVar aggregate classification (germline): Pathogenic. Review status: criteria provided, multiple submitters, no conflicts (2 of 4 stars). 2 submissions from 2 submitters: Pathogenic (2). Last evaluated 2023-06-27.

Conditions:
Hereditary cancer-predisposing syndrome. Also called: Hereditary Cancer Syndrome; Neoplastic Syndromes, Hereditary; Tumor predisposition; Hereditary neoplastic syndrome. Identifiers: Orphanet 140162, MedGen C0027672, MeSH D009386, MONDO:0015356.
Familial cancer of breast. Also called: BREAST CANCER, FAMILIAL; Hereditary breast cancer; hereditary breast carcinoma. Identifiers: Orphanet 227535, MedGen C0346153, MONDO:0016419, OMIM 114480. Disease mechanism: loss of function.

Submissions (2):

Myriad Genetics, Inc.
Classification: Pathogenic for Familial cancer of breast. Last evaluated: 2023-06-27. Review status: criteria provided, single submitter. Criteria: Myriad Autosomal Dominant, Autosomal Recessive and X-Linked Classification Criteria (2023). Collection method: clinical testing. Allele origin: unknown.
Comment: This variant is considered pathogenic. This variant creates a frameshift predicted to result in premature protein truncation.

Ambry Genetics
Classification: Pathogenic for Hereditary cancer-predisposing syndrome. Last evaluated: 2017-07-12. Review status: criteria provided, single submitter. Criteria: Ambry Variant Classification Scheme 2023. Collection method: clinical testing. Allele origin: germline.
Comment: The c.879delT pathogenic mutation, located in coding exon 7 of the CHEK2 gene, results from a deletion of one nucleotide at nucleotide position 879, causing a translational frameshift with a predicted alternate stop codon (p.D293Efs*11). This alteration is expected to result in loss of function by premature protein truncation or nonsense-mediated mRNA decay. As such, this alteration is interpreted as a disease-causing mutation.

NM_007194.4(CHEK2):c.879del (p.Asp293fs)

Gene: CHEK2 (checkpoint kinase 2; minus strand). Cytogenetic location: 22q12.1.
Variant type: Deletion.
Coding change: c.879del on transcript NM_007194.4 (MANE Select); coding-DNA position 879, one base deleted (T; older notation c.879delT).
Protein change: p.Asp293fs; shifts the reading frame from aspartic acid 293.
Molecular consequence: frameshift variant.
Genome position (GRCh38, 1-based): chr22:28,703,534, A deleted on the plus strand (T on the coding strand, the reverse complement: CHEK2 is on the minus strand). VCF-style (leftmost placement, unchanged base first): chr22-28703533-CA-C. GRCh37 (hg19) VCF-style: chr22-29099521-CA-C.
Other names: c.1008delT, p.Asp336Glufs (NM_001005735.3); c.216delT, p.Asp72Glufs (NM_001257387.3); c.678delT, p.Asp226Glufs (NM_001349956.3); c.879delT, p.Asp293Glufs (NM_145862.3); short protein forms D336fs, D72fs, D293fs, D226fs.
Identifiers: ClinVar variation 481171 (VCV000481171.7), dbSNP rs1555916968, ClinGen allele CA658656847.